The following is an entry in ClinVar:

ClinVar aggregate classification (germline): Uncertain significance (1 of 4 stars; one submission).

Conditions:
Duchenne muscular dystrophy (DMD). Also called: MUSCULAR DYSTROPHY, PSEUDOHYPERTROPHIC PROGRESSIVE, DUCHENNE TYPE; Duchenne Muscular Dystrophy (DMD). Identifiers: Orphanet 98896, MedGen C0013264, MONDO:0010679, OMIM 310200.

Allele frequency attached by ClinVar (database versions not stated): gnomAD exomes 0.00001; ExAC 0.00002.
gnomAD v4.1: 7 of 1,207,445 alleles (0.00058%); highest among the groups gnomAD compares: Admixed American, 0.0043%; no homozygotes.

Submission:

Labcorp Genetics (formerly Invitae), Labcorp
Classification: Uncertain significance for Duchenne muscular dystrophy. Last evaluated: 2024-01-22. Review status: criteria provided, single submitter. Criteria: Invitae Variant Classification Sherloc (09022015). Collection method: clinical testing. Allele origin: germline.
Comment: This sequence change falls in intron 54 of the DMD gene. It does not directly change the encoded amino acid sequence of the DMD protein. It affects a nucleotide within the consensus splice site. This variant is present in population databases (rs761660964, gnomAD 0.004%). This variant has not been reported in the literature in individuals affected with DMD-related conditions. ClinVar contains an entry for this variant (Variation ID: 1984517). Variants that disrupt the consensus splice site are a relatively common cause of aberrant splicing (PMID: 17576681, 9536098). Algorithms developed to predict the effect of sequence changes on RNA splicing suggest that this variant is not likely to affect RNA splicing. In summary, the available evidence is currently insufficient to determine the role of this variant in disease. Therefore, it has been classified as a Variant of Uncertain Significance.

Literature cited by the submitters: PubMed 17576681; PubMed 9536098.

NM_004006.3(DMD):c.8027+3A>G

Gene: DMD (dystrophin; minus strand). Cytogenetic location: Xp21.1.
Variant type: single nucleotide variant.
Coding change: c.8027+3A>G on transcript NM_004006.3 (MANE Select); 3 bases into the intron after coding-DNA position 8027, A replaced by G.
Molecular consequence: intron variant.
Genome position (GRCh38, 1-based): chrX:31,657,987, T>C on the plus strand (A>G on the coding strand, the complement: DMD is on the minus strand). VCF-style: chrX-31657987-T-C. GRCh37 (hg19) VCF-style: chrX-31676104-T-C.
Other names: c.8003+3A>G (NM_000109.4); c.4004+3A>G (NM_004011.4); c.3995+3A>G (NM_004012.4); c.647+3A>G (NM_004023.3, NM_004020.4, NM_004022.3 and 2 more transcripts); c.8015+3A>G (NM_004009.3); c.7658+3A>G (NM_004010.3).
Identifiers: ClinVar variation 1984517 (VCV001984517.4), dbSNP rs761660964, ClinGen allele CA10378170.